The following is an entry in ClinVar:

ClinVar aggregate classification (germline): Uncertain significance (1 of 4 stars; one submission).

Conditions:
Granulomatous disease, chronic, X-linked. Also called: CYTOCHROME b-NEGATIVE GRANULOMATOUS DISEASE, CHRONIC, X-LINKED; GRANULOMATOUS DISEASE, CHRONIC, X-LINKED, SOMATIC MOSAIC. Identifiers: Orphanet 379, MedGen C1844376, MONDO:0010600, OMIM 306400.

Submission:

Labcorp Genetics (formerly Invitae), Labcorp
Classification: Uncertain significance for Granulomatous disease, chronic, X-linked. Last evaluated: 2025-12-28. Review status: criteria provided, single submitter. Criteria: Invitae Variant Classification Sherloc (09022015). Collection method: clinical testing. Allele origin: germline.
Comment: This sequence change replaces lysine, which is basic and polar, with glutamic acid, which is acidic and polar, at codon 314 of the CYBB protein (p.Lys314Glu). This variant is not present in population databases (gnomAD no frequency). This variant has not been reported in the literature in individuals affected with CYBB-related conditions. Invitae Evidence Modeling of protein sequence and biophysical properties (such as structural, functional, and spatial information, amino acid conservation, physicochemical variation, residue mobility, and thermodynamic stability) indicates that this missense variant is expected to disrupt CYBB protein function with a positive predictive value of 80%. In summary, the available evidence is currently insufficient to determine the role of this variant in disease. Therefore, it has been classified as a Variant of Uncertain Significance.

NM_000397.4(CYBB):c.940A>G (p.Lys314Glu)

Gene: CYBB (cytochrome b-245 beta chain; plus strand). Cytogenetic location: Xp11.4.
Variant type: single nucleotide variant.
Coding change: c.940A>G on transcript NM_000397.4 (MANE Select); coding-DNA position 940, A replaced by G.
Protein change: p.Lys314Glu; replaces lysine 314 with glutamic acid.
Molecular consequence: missense variant.
Genome position (GRCh38, 1-based): chrX:37,803,919, A>G. VCF-style: chrX-37803919-A-G. GRCh37 (hg19) VCF-style: chrX-37663172-A-G.
Other names: short protein forms K314E.
Identifiers: ClinVar variation 4740814 (VCV004740814.1).
Genomic context (GRCh38, chrX:37,803,919, plus strand): 5'-ATATGTTTTATTCTATAGGTGGTCACTCACCCTTTCAAAACCATCGAGCTACAGATGAAG[A>G]AGAAGGGGTTCAAAATGGAAGTGGGACAATACATTTTTGTCAAGTGCCCAAAGGTGTCCA-3'
Protein context (NP_000388.2, residues 304-324): PFKTIELQMK[Lys314Glu]KGFKMEVGQY